The following is an entry in ClinVar:

ClinVar aggregate classification (germline): Conflicting classifications of pathogenicity. Review status: criteria provided, conflicting classifications (1 of 4 stars). 3 submissions from 3 submitters: Likely pathogenic (1); Uncertain significance (2). Last evaluated 2025-10-10.

Conditions:
Adult hypophosphatasia. Identifiers: Orphanet 247676, Orphanet 436, MedGen C0268413, MONDO:1010154, OMIM 146300, MONDO:0007798.
Childhood hypophosphatasia. Identifiers: Orphanet 247667, Orphanet 436, MedGen C0220743, MONDO:1010168, OMIM 241510, MONDO:0009428.
Infantile hypophosphatasia. Identifiers: Orphanet 247651, Orphanet 436, MedGen C0268412, MONDO:1010169, OMIM 241500, MONDO:0009427.
ALPL-related disorder. Also called: ALPL-related condition; ALPL-related disorders.

gnomAD v4.1: 1 of 1,614,184 alleles (0.000062%); highest among the groups gnomAD compares: South Asian, 0.0011%; no homozygotes.

Submissions (3):

3billion
Classification: Uncertain significance for ALPL-related disorder. Last evaluated: 2025-10-10. Review status: criteria provided, single submitter. Criteria: ACMG Guidelines, 2015. Collection method: clinical testing. Allele origin: germline. Affected: yes.
Comment: The variant is observed at an extremely low frequency in the gnomAD v4.1.0 dataset (total allele frequency: <0.001%). Predicted Consequence/Location: Missense variant In silico tool predictions suggest damaging effect of the variant on gene or gene product [REVEL: 0.64 (>=0.6, sensitivity 0.68 and specificity 0.92); 3Cnet: 0.99 (> 0.75, sensitivity 0.96 and precision 0.92)]. The same nucleotide change resulting in the same amino acid change has been previously reported to be associated with ALPL-related disorder (ClinVar ID: VCV001997511). A different missense change at the same codon (p.Leu275Pro) has been reported as pathogenic/likely pathogenic with strong evidence (ClinVar ID: VCV000943632 /PMID: 11760847). However, the evidence of pathogenicity is insufficient at this time. Therefore, this variant is classified as VUS according to the recommendation of ACMG/AMP guideline.

Fulgent Genetics
Classification: Uncertain significance for Adult hypophosphatasia; Infantile hypophosphatasia; Childhood hypophosphatasia. Last evaluated: 2024-01-14. Review status: criteria provided, single submitter. Criteria: ACMG Guidelines, 2015. Collection method: clinical testing. Allele origin: germline.

Labcorp Genetics (formerly Invitae), Labcorp
Classification: Likely pathogenic. Last evaluated: 2023-02-26. Review status: criteria provided, single submitter. Criteria: Invitae Variant Classification Sherloc (09022015). Collection method: clinical testing. Allele origin: germline.
Comment: This variant is not present in population databases (gnomAD no frequency). This sequence change replaces leucine, which is neutral and non-polar, with phenylalanine, which is neutral and non-polar, at codon 275 of the ALPL protein (p.Leu275Phe). This variant has not been reported in the literature in individuals affected with ALPL-related conditions. In summary, the currently available evidence indicates that the variant is pathogenic, but additional data are needed to prove that conclusively. Therefore, this variant has been classified as Likely Pathogenic. This variant disrupts the p.Leu275 amino acid residue in ALPL. Other variant(s) that disrupt this residue have been determined to be pathogenic (PMID: 11760847). This suggests that this residue is clinically significant, and that variants that disrupt this residue are likely to be disease-causing. Advanced modeling of protein sequence and biophysical properties (such as structural, functional, and spatial information, amino acid conservation, physicochemical variation, residue mobility, and thermodynamic stability) performed at Invitae indicates that this missense variant is expected to disrupt ALPL protein function. ClinVar contains an entry for this variant (Variation ID: 1997511).

Literature cited by the submitters: PubMed 11760847 (cited by 3billion and Labcorp Genetics (formerly Invitae), Labcorp).

NM_000478.6(ALPL):c.823C>T (p.Leu275Phe)

Gene: ALPL (alkaline phosphatase, biomineralization associated; plus strand). Cytogenetic location: 1p36.12.
Variant type: single nucleotide variant.
Coding change: c.823C>T on transcript NM_000478.6 (MANE Select); coding-DNA position 823, C replaced by T.
Protein change: p.Leu275Phe; replaces leucine 275 with phenylalanine.
Molecular consequence: missense variant.
Genome position (GRCh38, 1-based): chr1:21,570,335, C>T. VCF-style: chr1-21570335-C-T. GRCh37 (hg19) VCF-style: chr1-21896828-C-T.
Other names: c.658C>T, p.Leu220Phe (NM_001127501.4); c.592C>T, p.Leu198Phe (NM_001177520.3); c.823C>T, p.Leu275Phe (NM_001369803.2, NM_001369804.2, NM_001369805.2); short protein forms L198F, L220F, L275F.
Identifiers: ClinVar variation 1997511 (VCV001997511.6), dbSNP rs749684443, ClinGen allele CA338879932.
Genomic context (GRCh38, chr1:21,570,335, plus strand): 5'-GGCATGTGCTGACACAGCCCTTCCTCCTAGCACTCCCACTTCATCTGGAACCGCACGGAA[C>T]TCCTGACCCTTGACCCCCACAATGTGGACTACCTATTGGGTAAGTGGAGGGGGTGGAGGG-3'
Protein context (NP_000469.3, residues 265-285): HSHFIWNRTE[Leu275Phe]LTLDPHNVDY